The following is an entry in ClinVar:

ClinVar aggregate classification (germline): Uncertain significance. Review status: criteria provided, multiple submitters, no conflicts (2 of 4 stars). 2 submissions from 2 submitters: Uncertain significance (2). Last evaluated 2023-12-13.

Conditions:
Neuropathy, hereditary sensory and autonomic, type 2A (HSAN2A). Also called: ACROOSTEOLYSIS, GIACCAI TYPE; ACROOSTEOLYSIS, NEUROGENIC; MORVAN DISEASE; NEUROPATHY, CONGENITAL SENSORY; NEUROPATHY, HEREDITARY SENSORY RADICULAR, AUTOSOMAL RECESSIVE; NEUROPATHY, HEREDITARY SENSORY, TYPE IIA. Identifiers: Orphanet 970, MedGen C2752089, MONDO:0024309, OMIM 201300.
Generalized epilepsy with febrile seizures plus, type 7 (GEFSP7). Also called: GEFS+, TYPE 7. Identifiers: Orphanet 36387, MedGen C2751778, MONDO:0013470, OMIM 613863.

Allele frequency attached by ClinVar (database versions not stated): ExAC 0.00001; gnomAD exomes 0.00003.

Submissions (2):

Blueprint Genetics
Classification: Uncertain significance. Last evaluated: 2023-12-13. Review status: criteria provided, single submitter. Criteria: ACMG Guidelines, 2015. Collection method: clinical testing. Allele origin: germline.

Labcorp Genetics (formerly Invitae), Labcorp
Classification: Uncertain significance for Neuropathy, hereditary sensory and autonomic, type 2A; Generalized epilepsy with febrile seizures plus, type 7. Last evaluated: 2022-09-29. Review status: criteria provided, single submitter. Criteria: Invitae Variant Classification Sherloc (09022015). Collection method: clinical testing. Allele origin: germline.
Comment: This sequence change replaces glutamic acid, which is acidic and polar, with lysine, which is basic and polar, at codon 1974 of the SCN9A protein (p.Glu1974Lys). In summary, the available evidence is currently insufficient to determine the role of this variant in disease. Therefore, it has been classified as a Variant of Uncertain Significance. Advanced modeling of protein sequence and biophysical properties (such as structural, functional, and spatial information, amino acid conservation, physicochemical variation, residue mobility, and thermodynamic stability) has been performed at Invitae for this missense variant, however the output from this modeling did not meet the statistical confidence thresholds required to predict the impact of this variant on SCN9A protein function. ClinVar contains an entry for this variant (Variation ID: 834491). This variant has not been reported in the literature in individuals affected with SCN9A-related conditions. The frequency data for this variant in the population databases is considered unreliable, as metrics indicate poor data quality at this position in the gnomAD database.

NM_001365536.1(SCN9A):c.5953G>A (p.Glu1985Lys)

Genes: SCN1A-AS1 (SCN1A and SCN9A antisense RNA 1; plus strand), SCN9A (sodium voltage-gated channel alpha subunit 9; minus strand). Cytogenetic location: 2q24.3.
Variant type: single nucleotide variant.
Coding change: c.5953G>A on transcript NM_001365536.1 (MANE Select); coding-DNA position 5953, G replaced by A.
Protein change: p.Glu1985Lys; replaces glutamic acid 1985 with lysine.
Molecular consequence: missense variant.
Genome position (GRCh38, 1-based): chr2:166,198,686, C>T on the plus strand (G>A on the coding strand, the complement: SCN9A is on the minus strand). VCF-style: chr2-166198686-C-T. GRCh37 (hg19) VCF-style: chr2-167055196-C-T.
Other names: c.5920G>A, p.Glu1974Lys (NM_002977.4); short protein forms E1985K, E1974K.
Identifiers: ClinVar variation 834491 (VCV000834491.11), dbSNP rs777230063, ClinGen allele CA1943592.